The following is an entry in ClinVar:

NM_139027.6(ADAMTS13):c.1830C>T (p.Ser610=)

Gene: ADAMTS13 (ADAM metallopeptidase with thrombospondin type 1 motif 13; plus strand). Cytogenetic location: 9q34.2.
Variant type: single nucleotide variant.
Coding change: c.1830C>T on transcript NM_139027.6 (MANE Select); coding-DNA position 1830, C replaced by T.
Protein change: p.Ser610=; no amino-acid change (serine 610 retained).
Molecular consequence: synonymous variant. On other transcripts: non-coding transcript variant (1).
Genome position (GRCh38, 1-based): chr9:133,440,387, C>T. VCF-style: chr9-133440387-C-T. GRCh37 (hg19) VCF-style: chr9-136305508-C-T.
Other names: p.Ser610=; c.1830C>T, p.Ser610= (NM_139025.5); c.1737C>T, p.Ser579= (NM_139026.6).
Identifiers: ClinVar variation 365550 (VCV000365550.16), dbSNP rs36221217, ClinGen allele CA10626725.

ClinVar aggregate classification (germline): Benign/Likely benign. Review status: criteria provided, multiple submitters, no conflicts (2 of 4 stars). 4 submissions from 4 submitters: Benign (3); Likely benign (1). Last evaluated 2026-02-01.

Conditions:
Upshaw-Schulman syndrome (TTP). Also called: THROMBOTIC THROMBOCYTOPENIC PURPURA, HEREDITARY; Congenital thrombotic thrombocytopenic purpura. Identifiers: Orphanet 93583, MedGen C1268935, MONDO:0010122, OMIM 274150.

Allele frequency attached by ClinVar (database versions not stated): ExAC 0.00213; 1000 Genomes Project 0.00639; gnomAD 0.00694 and 0.00759; 1000 Genomes Project 30x 0.00750; ESP Exome Variant Server 0.00753; TOPMed 0.00777.
gnomAD v4.1: 2,017 of 1,613,954 alleles (0.12%); highest among the groups gnomAD compares: African/African-American, 2.5%; 36 homozygotes.

Submissions (4):

Labcorp Genetics (formerly Invitae), Labcorp
Classification: Benign. Last evaluated: 2026-02-01. Review status: criteria provided, single submitter. Criteria: Invitae Variant Classification Sherloc (09022015). Collection method: clinical testing. Allele origin: germline.

Mayo Clinic Laboratories, Mayo Clinic
Classification: Likely benign. Last evaluated: 2024-12-17. Review status: criteria provided, single submitter. Criteria: ACMG Guidelines, 2015. Collection method: clinical testing. Allele origin: germline. Observed: 54 variant alleles.
Comment: BS1, BP4, BP7

Illumina Laboratory Services, Illumina
Classification: Benign for Upshaw-Schulman syndrome. Last evaluated: 2018-01-12. Review status: criteria provided, single submitter. Criteria: ICSL Variant Classification Criteria 13 December 2019. Collection method: clinical testing. Allele origin: germline.
Comment: This variant was observed in the ICSL laboratory as part of a predisposition screen in an ostensibly healthy population. It had not been previously curated by ICSL or reported in the Human Gene Mutation Database (HGMD: prior to June 1st, 2018), and was therefore a candidate for classification through an automated scoring system. Utilizing variant allele frequency, disease prevalence and penetrance estimates, and inheritance mode, an automated score was calculated to assess if this variant is too frequent to cause the disease. Based on the score and internal cut-off values, a variant classified as benign is not then subjected to further curation. The score for this variant resulted in a classification of benign for this disease.

Breakthrough Genomics
Classification: Benign. Review status: criteria provided, single submitter. Criteria: ACMG Guidelines, 2015. Collection method: not provided. Allele origin: germline. Inheritance: Autosomal recessive inheritance. Affected: yes.